The following is an entry in ClinVar:

ClinVar aggregate classification (germline): Likely benign. Review status: criteria provided, multiple submitters, no conflicts (2 of 4 stars). 2 submissions from 2 submitters: Likely benign (2). Last evaluated 2026-05-01.

Conditions:
Creatine transporter deficiency (CCDS1). Also called: Creatine Transporter (CRTR) Deficiency; Mental retardation , X-linked with seizures, short stature and midface hypoplasia; Mental retardation , X-linked, with creatine transport deficiency; X-linked creatine transporter deficiency; X-linked creatine deficiency syndrome; SLC6A8-Related Creatine Transporter Deficiency. Identifiers: Orphanet 52503, MedGen C1845862, MONDO:0010305, OMIM 300352.

Submissions (2):

CeGaT Center for Human Genetics Tuebingen
Classification: Likely benign. Last evaluated: 2026-05-01. Review status: criteria provided, single submitter. Criteria: CeGaT Center For Human Genetics Tuebingen Variant Classification Criteria Version 2. Collection method: clinical testing. Allele origin: germline. Affected: yes. Observed: 1 variant allele.
Comment: SLC6A8: BP4, BP7

Labcorp Genetics (formerly Invitae), Labcorp
Classification: Likely benign for Creatine transporter deficiency. Last evaluated: 2024-10-06. Review status: criteria provided, single submitter. Criteria: Invitae Variant Classification Sherloc (09022015). Collection method: clinical testing. Allele origin: germline.

NM_005629.4(SLC6A8):c.315T>C (p.Ile105=)

Gene: SLC6A8 (solute carrier family 6 member 8; plus strand). Cytogenetic location: Xq28.
Variant type: single nucleotide variant.
Coding change: c.315T>C on transcript NM_005629.4 (MANE Select); coding-DNA position 315, T replaced by C.
Protein change: p.Ile105=; no amino-acid change (isoleucine 105 retained).
Molecular consequence: synonymous variant. On other transcripts: 5 prime UTR variant (1).
Genome position (GRCh38, 1-based): chrX:153,690,427, T>C. VCF-style: chrX-153690427-T-C. GRCh37 (hg19) VCF-style: chrX-152955882-T-C.
Other names: c.315T>C, p.Ile105= (NM_001142805.2); c.-31T>C (NM_001142806.1).
Identifiers: ClinVar variation 1135272 (VCV001135272.11), dbSNP rs2148360127, ClinGen allele CA519184790.